The following is an entry in ClinVar:

NM_000238.4(KCNH2):c.235G>A (p.Ala79Thr)

Gene: KCNH2 (potassium voltage-gated channel subfamily H member 2; minus strand). Cytogenetic location: 7q36.1.
Variant type: single nucleotide variant.
Coding change: c.235G>A on transcript NM_000238.4 (MANE Select); coding-DNA position 235, G replaced by A.
Protein change: p.Ala79Thr; replaces alanine 79 with threonine.
Molecular consequence: missense variant.
Genome position (GRCh38, 1-based): chr7:150,974,783, C>T on the plus strand (G>A on the coding strand, the complement: KCNH2 is on the minus strand). VCF-style: chr7-150974783-C-T. GRCh37 (hg19) VCF-style: chr7-150671871-C-T.
Other names: c.58G>A, p.Ala20Thr (NM_001406755.1); c.235G>A, p.Ala79Thr (NM_172056.3); short protein forms A79T, A20T.
Identifiers: ClinVar variation 987798 (VCV000987798.16), dbSNP rs794728494, ClinGen allele CA369865519.

ClinVar aggregate classification (germline): Uncertain significance. Review status: criteria provided, multiple submitters, no conflicts (2 of 4 stars). 6 submissions from 6 submitters: Uncertain significance (6). Last evaluated 2026-06-30.

Conditions:
Short QT syndrome type 1. Identifiers: Orphanet 51083, MedGen C1865020, MONDO:0012312, OMIM 609620.
Long QT syndrome 2 (LQT2). Identifiers: Orphanet 101016, Orphanet 768, MedGen C3150943, MONDO:0013367, OMIM 613688.
Cardiovascular phenotype. Identifiers: MedGen CN230736.
Long QT syndrome (LQTS). Identifiers: MedGen C0023976, MeSH D008133, MONDO:0002442. Disease mechanism: loss of function. Inheritance: Various modes of inheritance.
Cardiac arrhythmia. Also called: Cardiac rhythm disease; Arrhythmia. Identifiers: MedGen C0003811, MONDO:0007263, HP:0011675.

Allele frequency attached by ClinVar (database versions not stated): TOPMed below 0.00001; gnomAD exomes 0.00001 and below 0.00001.
gnomAD v4.1: 11 of 1,605,320 alleles (0.00069%); highest among the groups gnomAD compares: Middle Eastern, 0.019%; no homozygotes.

Submissions (6):

Ambry Genetics
Classification: Uncertain significance for Cardiovascular phenotype. Last evaluated: 2026-06-30. Review status: criteria provided, single submitter. Criteria: Ambry Variant Classification Scheme 2023. Collection method: clinical testing. Allele origin: germline.
Comment: The p.A79T variant (also known as c.235G>A), located in coding exon 2 of the KCNH2 gene, results from a G to A substitution at nucleotide position 235. The alanine at codon 79 is replaced by threonine, an amino acid with similar properties. This amino acid position is not well conserved in available vertebrate species. In addition, the in silico prediction for this alteration is inconclusive. Based on the available evidence, the clinical significance of this variant remains unclear.

Labcorp Genetics (formerly Invitae), Labcorp
Classification: Uncertain significance for Long QT syndrome. Last evaluated: 2024-05-15. Review status: criteria provided, single submitter. Criteria: Invitae Variant Classification Sherloc (09022015). Collection method: clinical testing. Allele origin: germline.
Comment: This sequence change replaces alanine, which is neutral and non-polar, with threonine, which is neutral and polar, at codon 79 of the KCNH2 protein (p.Ala79Thr). This variant is not present in population databases (gnomAD no frequency). This variant has not been reported in the literature in individuals affected with KCNH2-related conditions. ClinVar contains an entry for this variant (Variation ID: 987798). An algorithm developed to predict the effect of missense changes on protein structure and function (PolyPhen-2) suggests that this variant is likely to be tolerated. In summary, the available evidence is currently insufficient to determine the role of this variant in disease. Therefore, it has been classified as a Variant of Uncertain Significance.

All of Us Research Program, National Institutes of Health
Classification: Uncertain significance for Long QT syndrome. Last evaluated: 2024-01-11. Review status: criteria provided, single submitter. Criteria: ACMG Guidelines, 2015. Collection method: clinical testing. Allele origin: germline. Inheritance: Autosomal dominant inheritance. Observed: 2 variant alleles, 2 heterozygotes.
Comment: This missense variant replaces alanine with threonine at codon 79 of the KCNH2 protein. Computational prediction suggests that this variant may not impact protein structure and function (internally defined REVEL score threshold <= 0.5, PMID: 27666373). To our knowledge, functional studies have not been reported for this variant. This variant has not been reported in individuals affected with cardiovascular disorders in the literature. This variant has been identified in 1/228884 chromosomes in the general population by the Genome Aggregation Database (gnomAD). The available evidence is insufficient to determine the role of this variant in disease conclusively. Therefore, this variant is classified as a Variant of Uncertain Significance.

This study involves interpretation of variants in research participants for the purpose of population health screening. Participant phenotype was not available at the time of variant classification. Additional details can be found in publication PMID: 35346344, PMCID: PMC8962531

Fulgent Genetics
Classification: Uncertain significance for Short QT syndrome type 1; Long QT syndrome 2. Last evaluated: 2021-08-25. Review status: criteria provided, single submitter. Criteria: ACMG Guidelines, 2015. Collection method: clinical testing. Allele origin: unknown.

Color Diagnostics, LLC DBA Color Health
Classification: Uncertain significance for Cardiac arrhythmia. Last evaluated: 2021-04-05. Review status: criteria provided, single submitter. Criteria: ACMG Guidelines, 2015. Collection method: clinical testing. Allele origin: germline.
Comment: This missense variant replaces alanine with threonine at codon 79 of the KCNH2 protein. Computational prediction suggests that this variant may not impact protein structure and function (internally defined REVEL score threshold <= 0.5, PMID: 27666373). To our knowledge, functional studies have not been reported for this variant. This variant has not been reported in individuals affected with cardiovascular disorders in the literature. This variant has been identified in 1/228884 chromosomes in the general population by the Genome Aggregation Database (gnomAD). The available evidence is insufficient to determine the role of this variant in disease conclusively. Therefore, this variant is classified as a Variant of Uncertain Significance.

Women's Health and Genetics/Laboratory Corporation of America, LabCorp
Classification: Uncertain significance. Last evaluated: 2020-11-30. Review status: criteria provided, single submitter. Criteria: LabCorp Variant Classification Summary - May 2015. Collection method: clinical testing. Allele origin: germline.
Comment: Variant summary: KCNH2 c.235G>A (p.Ala79Thr) results in a non-conservative amino acid change located in the PAS domain (IPR000014) of the encoded protein sequence. Three of five in-silico tools predict a damaging effect of the variant on protein function. The variant allele was found at a frequency of 4.4e-06 in 228884 control chromosomes. The available data on variant occurrences in the general population are insufficient to allow any conclusion about variant significance. To our knowledge, no occurrence of c.235G>A in individuals affected with Arrhythmia and no experimental evidence demonstrating its impact on protein function have been reported. No clinical diagnostic laboratories have submitted clinical-significance assessments for this variant to ClinVar after 2014. Based on the evidence outlined above, the variant was classified as uncertain significance.